The following is an entry in ClinVar:

ClinVar aggregate classification (germline): Uncertain significance (1 of 4 stars; one submission).

Allele frequency attached by ClinVar (database versions not stated): gnomAD exomes 0.00001 and 0.00002; gnomAD 0.00002 and 0.00003; TOPMed 0.00003.
gnomAD v4.1: 30 of 1,614,204 alleles (0.0019%); highest among the groups gnomAD compares: Middle Eastern, 0.016%; no homozygotes.

Submission:

Labcorp Genetics (formerly Invitae), Labcorp
Classification: Uncertain significance. Last evaluated: 2022-08-20. Review status: criteria provided, single submitter. Criteria: Invitae Variant Classification Sherloc (09022015). Collection method: clinical testing. Allele origin: germline.
Comment: This sequence change replaces glycine, which is neutral and non-polar, with serine, which is neutral and polar, at codon 186 of the C1QC protein (p.Gly186Ser). This variant is present in population databases (no rsID available, gnomAD 0.003%). This variant has not been reported in the literature in individuals affected with C1QC-related conditions. ClinVar contains an entry for this variant (Variation ID: 1356198). Algorithms developed to predict the effect of missense changes on protein structure and function output the following: SIFT: "Tolerated"; PolyPhen-2: "Benign"; Align-GVGD: "Class C0". The serine amino acid residue is found in multiple mammalian species, which suggests that this missense change does not adversely affect protein function. Algorithms developed to predict the effect of sequence changes on RNA splicing suggest that this variant may create or strengthen a splice site. In summary, the available evidence is currently insufficient to determine the role of this variant in disease. Therefore, it has been classified as a Variant of Uncertain Significance.

NM_172369.5(C1QC):c.556G>A (p.Gly186Ser)

Gene: C1QC (complement C1q C chain; plus strand). Cytogenetic location: 1p36.12.
Variant type: single nucleotide variant.
Coding change: c.556G>A on transcript NM_172369.5 (MANE Select); coding-DNA position 556, G replaced by A.
Protein change: p.Gly186Ser; replaces glycine 186 with serine.
Molecular consequence: missense variant.
Genome position (GRCh38, 1-based): chr1:22,647,601, G>A. VCF-style: chr1-22647601-G-A. GRCh37 (hg19) VCF-style: chr1-22974094-G-A.
Other names: c.289G>A, p.Gly97Ser (NM_001347620.2); c.556G>A, p.Gly186Ser (NM_001114101.3, NM_001347619.2); short protein forms G186S, G97S.
Identifiers: ClinVar variation 1356198 (VCV001356198.3), dbSNP rs1443671381, ClinGen allele CA338938060.